The following is an entry in ClinVar:

NM_031885.5(BBS2):c.194A>T (p.Asp65Val)

Gene: BBS2 (Bardet-Biedl syndrome 2; minus strand). Cytogenetic location: 16q13.
Variant type: single nucleotide variant.
Coding change: c.194A>T on transcript NM_031885.5 (MANE Select); coding-DNA position 194, A replaced by T.
Protein change: p.Asp65Val; replaces aspartic acid 65 with valine.
Molecular consequence: missense variant. On other transcripts: non-coding transcript variant (5).
Genome position (GRCh38, 1-based): chr16:56,514,604, T>A on the plus strand (A>T on the coding strand, the complement: BBS2 is on the minus strand). VCF-style: chr16-56514604-T-A. GRCh37 (hg19) VCF-style: chr16-56548516-T-A.
Other names: c.194A>T, p.Asp65Val (NM_001377456.1); c.194A>T (NM_031885.3); short protein forms D65V.
Identifiers: ClinVar variation 1392751 (VCV001392751.6), dbSNP rs746643609, ClinGen allele CA8066098.

ClinVar aggregate classification (germline): Uncertain significance. Review status: criteria provided, multiple submitters, no conflicts (2 of 4 stars). 2 submissions from 2 submitters: Uncertain significance (2). Last evaluated 2021-08-31.

Conditions:
Bardet-Biedl syndrome 2 (BBS2). Identifiers: Orphanet 110, MedGen C2936863, MONDO:0014432, OMIM 615981.
Bardet-Biedl syndrome (BBS). Identifiers: Orphanet 110, MedGen C0752166, MONDO:0015229.

Allele frequency attached by ClinVar (database versions not stated): gnomAD 0.00001.
gnomAD v4.1: 7 of 1,614,042 alleles (0.00043%); highest among the groups gnomAD compares: Non-Finnish European, 0.00051%; no homozygotes.

Submissions (2):

Labcorp Genetics (formerly Invitae), Labcorp
Classification: Uncertain significance for Bardet-Biedl syndrome. Last evaluated: 2021-08-31. Review status: criteria provided, single submitter. Criteria: Invitae Variant Classification Sherloc (09022015). Collection method: clinical testing. Allele origin: germline.
Comment: This sequence change replaces aspartic acid with valine at codon 65 of the BBS2 protein (p.Asp65Val). The aspartic acid residue is highly conserved and there is a large physicochemical difference between aspartic acid and valine. This variant is present in population databases (rs746643609, ExAC 0.003%). This variant has not been reported in the literature in individuals affected with BBS2-related conditions. Algorithms developed to predict the effect of missense changes on protein structure and function are either unavailable or do not agree on the potential impact of this missense change (SIFT: "Deleterious"; PolyPhen-2: "Probably Damaging"; Align-GVGD: "Class C0"). In summary, the available evidence is currently insufficient to determine the role of this variant in disease. Therefore, it has been classified as a Variant of Uncertain Significance.

DNA-diagnostics Laboratory, Research Centre For Medical Genetics
Classification: Uncertain significance for Bardet-Biedl syndrome 2. Review status: criteria provided, single submitter. Criteria: ACMG Guidelines, 2015. Collection method: clinical testing. Allele origin: germline. Affected: yes.